The following is an entry in ClinVar:

NM_017780.4(CHD7):c.6733C>G (p.Leu2245Val)

Gene: CHD7 (chromodomain helicase DNA binding protein 7; plus strand). Cytogenetic location: 8q12.2.
Variant type: single nucleotide variant.
Coding change: c.6733C>G on transcript NM_017780.4 (MANE Select); coding-DNA position 6733, C replaced by G.
Protein change: p.Leu2245Val; replaces leucine 2245 with valine.
Molecular consequence: missense variant. On other transcripts: intron variant (1).
Genome position (GRCh38, 1-based): chr8:60,853,458, C>G. VCF-style: chr8-60853458-C-G. GRCh37 (hg19) VCF-style: chr8-61766017-C-G.
Other names: c.1717-8771C>G (NM_001316690.1); short protein forms L2245V.
Identifiers: ClinVar variation 4747806 (VCV004747806.1).
Genomic context (GRCh38, chr8:60,853,458, plus strand): 5'-GCAGACACTGGGTCCAAATCTATTTCAGAGAAAGGTTCCGAAGAGGATGAAGAGGAAAAG[C>G]TGGAGGATGACGATAAGTCGGAAGAGTCTTCCCAGCCCGAAGGTAAGGCCTTACCACTGG-3'
Protein context (NP_060250.2, residues 2235-2255): KGSEEDEEEK[Leu2245Val]EDDDKSEESS

ClinVar aggregate classification (germline): Uncertain significance (1 of 4 stars; one submission).

Conditions:
CHARGE syndrome (CHARGE). Also called: Hittner Hirsch Kreh syndrome; CHARGE ASSOCIATION--COLOBOMA, HEART ANOMALY, CHOANAL ATRESIA, RETARDATION, GENITAL AND EAR ANOMALIES; Coloboma, heart anomaly, choanal atresia, retardation, genital and ear anomalies; CHARGE association; Hall-Hittner syndrome. Identifiers: Orphanet 138, MedGen C0265354, MONDO:0008965.

gnomAD v4.1: 3 of 1,517,700 alleles (0.0002%); highest among the groups gnomAD compares: African/African-American, 0.0042%; no homozygotes.

Submission:

Labcorp Genetics (formerly Invitae), Labcorp
Classification: Uncertain significance for CHARGE syndrome. Last evaluated: 2025-05-18. Review status: criteria provided, single submitter. Criteria: Invitae Variant Classification Sherloc (09022015). Collection method: clinical testing. Allele origin: germline.
Comment: This sequence change replaces leucine, which is neutral and non-polar, with valine, which is neutral and non-polar, at codon 2245 of the CHD7 protein (p.Leu2245Val). This variant is not present in population databases (gnomAD no frequency). This variant has not been reported in the literature in individuals affected with CHD7-related conditions. Invitae Evidence Modeling of protein sequence and biophysical properties (such as structural, functional, and spatial information, amino acid conservation, physicochemical variation, residue mobility, and thermodynamic stability) indicates that this missense variant is not expected to disrupt CHD7 protein function with a negative predictive value of 80%. In summary, the available evidence is currently insufficient to determine the role of this variant in disease. Therefore, it has been classified as a Variant of Uncertain Significance.